The following is an entry in ClinVar:

NM_001267550.2(TTN):c.70240G>T (p.Val23414Phe)

Genes: TTN-AS1 (TTN antisense RNA 1; plus strand), TTN (titin; minus strand), LOC126806422 (BRD4-independent group 4 enhancer GRCh37_chr2:179440205-179441404; plus strand). Cytogenetic location: 2q31.2.
Variant type: single nucleotide variant.
Coding change: c.70240G>T on transcript NM_001267550.2 (MANE Select); coding-DNA position 70240, G replaced by T.
Protein change: p.Val23414Phe; replaces valine 23414 with phenylalanine.
Molecular consequence: missense variant.
Genome position (GRCh38, 1-based): chr2:178,575,892, C>A on the plus strand (G>T on the coding strand, the complement: TTN is on the minus strand). VCF-style: chr2-178575892-C-A. GRCh37 (hg19) VCF-style: chr2-179440619-C-A.
Other names: c.65317G>T, p.Val21773Phe (NM_001256850.1); c.43045G>T, p.Val14349Phe (NM_003319.4); c.62536G>T, p.Val20846Phe (NM_133378.4); c.43420G>T, p.Val14474Phe (NM_133432.3); c.43621G>T, p.Val14541Phe (NM_133437.4); short protein forms V23414F, V14541F, V14349F, V21773F, V20846F, V14474F.
Identifiers: ClinVar variation 535453 (VCV000535453.5), dbSNP rs759158138, ClinGen allele CA1990819.
Genomic context (GRCh38, chr2:178,575,892, plus strand): 5'-CCAAGACTCTGACGTTCACAAAGCCACTTTTCTTCCCAGCCGGGTTTTCAATGGTCATGA[C>A]AAATTTACCGGTATCATATCTGTTACATTCTGGGATAATCAGAAGAGTAAATGATTCCGT-3'
Protein context (NP_001254479.2, residues 23404-23424): ECNRYDTGKF[Val23414Phe]MTIENPAGKK

ClinVar aggregate classification (germline): Uncertain significance. Review status: criteria provided, multiple submitters, no conflicts (2 of 4 stars). 3 submissions from 3 submitters: Uncertain significance (3). Last evaluated 2025-11-05.

Conditions:
Autosomal recessive limb-girdle muscular dystrophy type 2J (LGMDR10). Also called: Limb-girdle muscular dystrophy, type 2J; MUSCULAR DYSTROPHY, LIMB-GIRDLE, AUTOSOMAL RECESSIVE 10. Identifiers: Orphanet 140922, MedGen C1837342, MONDO:0012127, OMIM 608807.
Dilated cardiomyopathy 1G (CMD1G). Identifiers: Orphanet 154, MedGen C1858763, MONDO:0011400, OMIM 604145.

Allele frequency attached by ClinVar (database versions not stated): gnomAD exomes 0.00001; ExAC 0.00002.
gnomAD v4.1: 3 of 1,613,560 alleles (0.00019%); highest among the groups gnomAD compares: Non-Finnish European, 0.00025%; no homozygotes.

Submissions (3):

Women's Health and Genetics/Laboratory Corporation of America, LabCorp
Classification: Uncertain significance. Last evaluated: 2025-11-05. Review status: criteria provided, single submitter. Criteria: LabCorp Variant Classification Summary - May 2015. Collection method: clinical testing. Allele origin: germline.
Comment: Variant summary: TTN NM_133378 c.62536G>T (p.Val20846Phe), also known as NM_001267550 c.70240G>T p.Val23414Phe, results in a non-conservative amino acid change in the encoded protein sequence. Algorithms developed to predict the effect of missense changes on protein structure and function are either unavailable or do not agree on the potential impact of this missense change. The variant allele was found at a frequency of 1.2e-05 in 248820 control chromosomes. The available data on variant occurrences in the general population are insufficient to allow any conclusion about variant significance. To our knowledge, no occurrence of c.62536G>T in individuals affected with TTN-related conditions and no experimental evidence demonstrating its impact on protein function have been reported. ClinVar contains an entry for this variant (Variation ID: 535453). Based on the evidence outlined above, the variant was classified as uncertain significance.

Revvity Omics, Revvity
Classification: Uncertain significance. Last evaluated: 2024-04-17. Review status: criteria provided, single submitter. Criteria: ACMG Guidelines, 2015. Collection method: clinical testing. Allele origin: germline.

Labcorp Genetics (formerly Invitae), Labcorp
Classification: Uncertain significance for Dilated cardiomyopathy 1G; Autosomal recessive limb-girdle muscular dystrophy type 2J. Last evaluated: 2017-11-04. Review status: criteria provided, single submitter. Criteria: Invitae Variant Classification Sherloc (09022015). Collection method: clinical testing. Allele origin: germline.